The following is an entry in ClinVar:

ClinVar aggregate classification (germline): Uncertain significance. Review status: criteria provided, multiple submitters, no conflicts (2 of 4 stars). 2 submissions from 2 submitters: Uncertain significance (2). Last evaluated 2023-11-29.

Conditions:
Hereditary cancer-predisposing syndrome. Also called: Neoplastic Syndromes, Hereditary; Hereditary neoplastic syndrome; Hereditary Cancer Syndrome; Tumor predisposition. Identifiers: Orphanet 140162, MedGen C0027672, MeSH D009386, MONDO:0015356.
Medulloblastoma (MDB). Also called: Medulloblastoma, somatic; MEDULLOBLASTOMA PREDISPOSITION SYNDROME. Identifiers: Orphanet 616, MedGen C0025149, MeSH D008527, MONDO:0007959, OMIM 155255, HP:0002885.
Gorlin syndrome. Also called: Nevoid Basal Cell Carcinoma Syndrome; Basal cell nevus syndrome. Identifiers: Orphanet 377, MedGen C0004779, MONDO:0007187.

Submissions (2):

Ambry Genetics
Classification: Uncertain significance for Hereditary cancer-predisposing syndrome. Last evaluated: 2023-11-29. Review status: criteria provided, single submitter. Criteria: Ambry Variant Classification Scheme 2023. Collection method: clinical testing. Allele origin: germline.
Comment: The p.Q184E variant (also known as c.550C>G), located in coding exon 4 of the SUFU gene, results from a C to G substitution at nucleotide position 550. The glutamine at codon 184 is replaced by glutamic acid, an amino acid with highly similar properties. This amino acid position is conserved. In addition, the in silico prediction for this alteration is inconclusive. Since supporting evidence is limited at this time, the clinical significance of this alteration remains unclear.

Labcorp Genetics (formerly Invitae), Labcorp
Classification: Uncertain significance for Gorlin syndrome; Medulloblastoma. Last evaluated: 2019-06-27. Review status: criteria provided, single submitter. Criteria: Invitae Variant Classification Sherloc (09022015). Collection method: clinical testing. Allele origin: germline.
Comment: In summary, the available evidence is currently insufficient to determine the role of this variant in disease. Therefore, it has been classified as a Variant of Uncertain Significance. Algorithms developed to predict the effect of missense changes on protein structure and function (SIFT, PolyPhen-2, Align-GVGD) all suggest that this variant is likely to be disruptive, but these predictions have not been confirmed by published functional studies and their clinical significance is uncertain. This variant has not been reported in the literature in individuals with SUFU-related conditions. This variant is not present in population databases (ExAC no frequency). This sequence change replaces glutamine with glutamic acid at codon 184 of the SUFU protein (p.Gln184Glu). The glutamine residue is highly conserved and there is a small physicochemical difference between glutamine and glutamic acid.

NM_016169.4(SUFU):c.550C>G (p.Gln184Glu)

Gene: SUFU (SUFU negative regulator of hedgehog signaling; plus strand). Cytogenetic location: 10q24.32.
Variant type: single nucleotide variant.
Coding change: c.550C>G on transcript NM_016169.4 (MANE Select); coding-DNA position 550, C replaced by G.
Protein change: p.Gln184Glu; replaces glutamine 184 with glutamic acid.
Molecular consequence: missense variant.
Genome position (GRCh38, 1-based): chr10:102,592,677, C>G. VCF-style: chr10-102592677-C-G. GRCh37 (hg19) VCF-style: chr10-104352434-C-G.
Other names: c.550C>G, p.Gln184Glu (NM_001178133.2); short protein forms Q184E.
Identifiers: ClinVar variation 946298 (VCV000946298.11), dbSNP rs2063416132, ClinGen allele CA377908507.